The following is an entry in ClinVar:

ClinVar aggregate classification (germline): Uncertain significance (1 of 4 stars; one submission).

Submission:

Labcorp Genetics (formerly Invitae), Labcorp
Classification: Uncertain significance. Last evaluated: 2025-09-28. Review status: criteria provided, single submitter. Criteria: Invitae Variant Classification Sherloc (09022015). Collection method: clinical testing. Allele origin: germline.
Comment: This sequence change replaces proline, which is neutral and non-polar, with arginine, which is basic and polar, at codon 184 of the SOX17 protein (p.Pro184Arg). This variant is not present in population databases (gnomAD no frequency). This variant has not been reported in the literature in individuals affected with SOX17-related conditions. Invitae Evidence Modeling of protein sequence and biophysical properties (such as structural, functional, and spatial information, amino acid conservation, physicochemical variation, residue mobility, and thermodynamic stability) indicates that this missense variant is not expected to disrupt SOX17 protein function with a negative predictive value of 80%. In summary, the available evidence is currently insufficient to determine the role of this variant in disease. Therefore, it has been classified as a Variant of Uncertain Significance.

NM_022454.4(SOX17):c.551C>G (p.Pro184Arg)

Gene: SOX17 (SRY-box transcription factor 17; plus strand). Cytogenetic location: 8q11.23.
Variant type: single nucleotide variant.
Coding change: c.551C>G on transcript NM_022454.4 (MANE Select); coding-DNA position 551, C replaced by G.
Protein change: p.Pro184Arg; replaces proline 184 with arginine.
Molecular consequence: missense variant.
Genome position (GRCh38, 1-based): chr8:54,459,301, C>G. VCF-style: chr8-54459301-C-G. GRCh37 (hg19) VCF-style: chr8-55371861-C-G.
Other names: short protein forms P184R.
Identifiers: ClinVar variation 4715806 (VCV004715806.1).